The following is an entry in ClinVar:

ClinVar aggregate classification (germline): Pathogenic/Likely pathogenic. Review status: criteria provided, multiple submitters, no conflicts (2 of 4 stars). 3 submissions from 3 submitters: Pathogenic (1); Likely pathogenic (1). 1 of the submissions does not count toward it. Last evaluated 2015-03-07.

Conditions:
Neutropenia, severe congenital, 1, autosomal dominant. Identifiers: MedGen C1859966, MONDO:0042490, OMIM 202700.

Submissions (3):

GeneDx
Classification: Pathogenic. Last evaluated: 2015-03-07. Review status: criteria provided, single submitter. Criteria: GeneDx Variant Classification (06012015). Collection method: clinical testing. Allele origin: germline. Affected: yes.
Comment: The C71F missense change has not been published as a mutation, nor has it been reported as a benign polymorphism to our knowledge. The C71F mutation was not observed in approximately 6,200 individuals of European and African American ancestry in the NHLBI Exome Sequencing Project, indicating it is not a common benign variant in these populations. The C71F mutation is a non-conservative amino acid substitution, which is likely to impact secondary protein structure as these residues differ in polarity, charge, size and/or other properties. This substitution occurs at a position that is conserved across species. In silico analysis predicts this variant is probably damaging to the protein structure/function. Missense mutations in this residue and in nearby residues (C71R, C71S, C71Y, V72E, V72G) have been reported in the Human Gene Mutation Database in association with congenital neutropenia (Stenson et al., 2014), supporting the functional importance of this region of the protein. Therefore, the C71F missense change is interpreted to be a disease-causing mutation.

Lifecell International Pvt. Ltd
Classification: Likely pathogenic for Neutropenia, severe congenital, 1, autosomal dominant. Review status: criteria provided, single submitter. Criteria: ACMG Guidelines, 2015. Collection method: clinical testing. Allele origin: germline. Inheritance: Autosomal dominant inheritance. Affected: yes. Observed: 1 heterozygote.
Comment: A Heterozygous Missense variant c.212G>T in Exon 2 of the ELANE gene that results in the amino acid substitution p.Cys71Phe was identified. The observed variant has a minor allele frequency of 0% in gnomAD exomes and genomes, respectively. The severity of the impact of this variant on the protein is medium, based on the effect of the protein and REVEL score . Rare Exome Variant Ensemble Learner (REVEL) is an ensembl method for predicting the pathogenicity of missense variants based on a combination of scores from 13 individual tools: MutPred, FATHMM v2.3, VEST 3.0, PolyPhen-2, SIFT, PROVEAN, MutationAssessor, MutationTaster, LRT, GERP++, SiPhy, phyloP, and phastCons. The REVEL score for an individual missense variant can range from 0 to 1, with higher scores reflecting greater likelihood that the variant is disease-causing. This variant has previously been reported for bone marroe failure by Lauhasurayotin S, et, al, 2019. ClinVar has also classified this variant as Pathogenic with 1 star, criteria provided, single submitter (variant ID: 242278). Based on the above evidence this variant has been classified as Likely Pathogenic according to the ACMG guidelines.

Laboratory of Immunopathology and Genetics, Medical Laboratory of Pediatric Oncology and Hematology, Central Clinical Hospital of the Medical University of Lodz
Classification: Pathogenic for Neutropenia, severe congenital, 1, autosomal dominant. Last evaluated: 2024-12-01. Review status: no assertion criteria provided. Collection method: clinical testing. Allele origin: germline. Affected: yes. Observed: 1 variant allele. Not counted in ClinVar's aggregate classification.

Literature cited by the submitters: PubMed 31839986 (cited by Lifecell International Pvt. Ltd and Laboratory of Immunopathology and Genetics, Medical Laboratory of Pediatric Oncology and Hematology, Central Clinical Hospital of the Medical University of Lodz).

NM_001972.4(ELANE):c.212G>T (p.Cys71Phe)

Gene: ELANE (elastase, neutrophil expressed; plus strand). Cytogenetic location: 19p13.3.
Variant type: single nucleotide variant.
Coding change: c.212G>T on transcript NM_001972.4 (MANE Select); coding-DNA position 212, G replaced by T.
Protein change: p.Cys71Phe; replaces cysteine 71 with phenylalanine.
Molecular consequence: missense variant.
Genome position (GRCh38, 1-based): chr19:853,020, G>T. VCF-style: chr19-853020-G-T. GRCh37 (hg19) VCF-style: chr19-853020-G-T.
Other names: c.212G>T (LRG_57t1); short protein forms C71F.
Identifiers: ClinVar variation 242278 (VCV000242278.4), dbSNP rs878855315, ClinGen allele CA10583958.